The following is an entry in ClinVar:

ClinVar aggregate classification (germline): Pathogenic (1 of 4 stars; one submission).

Conditions:
Junctional epidermolysis bullosa. Identifiers: Orphanet 305, MedGen C0079301, MONDO:0017612.

Submission:

Myriad Genetics, Inc.
Classification: Pathogenic for Junctional epidermolysis bullosa. Last evaluated: 2024-11-25. Review status: criteria provided, single submitter. Criteria: Myriad Autosomal Dominant, Autosomal Recessive and X-Linked Classification Criteria (2023). Collection method: clinical testing. Allele origin: unknown.
Comment: NM_005562.2(LAMC2):c.831_835dup5(G279Efs*11) is expected to be pathogenic in the context of junctional epidermolysis bullosa, LAMC2-related. This variant is predicted to lead to an abnormal or absent protein product due to the creation of a premature termination codon in LAMC2, a gene where loss-of-function variants are known to be pathogenic. Please note: this variant was assessed in the context of healthy population screening.

NM_005562.3(LAMC2):c.831_835dup (p.Gly279fs)

Gene: LAMC2 (laminin subunit gamma 2; plus strand). Cytogenetic location: 1q25.3.
Variant type: Duplication.
Coding change: c.831_835dup on transcript NM_005562.3 (MANE Select); coding-DNA positions 831 to 835, 5 bases duplicated (AGGAG; older notation c.831_835dupAGGAG).
Protein change: p.Gly279fs; shifts the reading frame from glycine 279.
Molecular consequence: frameshift variant.
Genome position (GRCh38, 1-based): chr1:183,223,202-183,223,206, AGGAG duplicated; duplicating any 5 consecutive bases within chr1:183,223,200-183,223,206 gives the same sequence; the c. name uses the placement nearest the transcript's 3' end. VCF-style (leftmost placement, unchanged base first): chr1-183223199-C-CAGAGG. GRCh37 (hg19) VCF-style: chr1-183192334-C-CAGAGG.
Other names: c.831_835dup, p.Gly279fs (NM_018891.3); short protein forms G279fs.
Identifiers: ClinVar variation 5013806 (VCV005013806.1).